The following is an entry in ClinVar:

NM_001148.6(ANK2):c.7217C>T (p.Pro2406Leu)

Genes: ANK2 (ankyrin 2; plus strand), LOC126807137 (CDK7 strongly-dependent group 2 enhancer GRCh37_chr4:114276560-114277759; plus strand). Cytogenetic location: 4q26.
Variant type: single nucleotide variant.
Coding change: c.7217C>T on transcript NM_001148.6 (MANE Select); coding-DNA position 7217, C replaced by T.
Protein change: p.Pro2406Leu; replaces proline 2406 with leucine.
Molecular consequence: missense variant. On other transcripts: intron variant (68).
Genome position (GRCh38, 1-based): chr4:113,355,835, C>T. VCF-style: chr4-113355835-C-T. GRCh37 (hg19) VCF-style: chr4-114276991-C-T.
Other names: c.6983C>T, p.Pro2328Leu (NM_001386142.1); c.3617C>T, p.Pro1206Leu (NM_001386166.1); c.7358C>T, p.Pro2453Leu (NM_001386174.1); c.7334C>T, p.Pro2445Leu (NM_001386175.1); c.4412-4988C>T (NM_001386186.2, NM_001386148.2); c.4214-4988C>T (NM_001354269.3); c.4292-4988C>T (NM_001386187.2); c.4253-4988C>T (NM_001386147.1); and 35 more; short protein forms P2453L, P2406L, P2328L, P1206L, P2445L.
Identifiers: ClinVar variation 1963618 (VCV001963618.5), dbSNP rs2505689852, ClinGen allele CA357929870.
Genomic context (GRCh38, chr4:113,355,835, plus strand): 5'-AGGCTTCTGTAAAGACAGATACAGGAACTGAATCAAAACCTCAGGGAGTCATTAGAAGTC[C>T]CCAAGGGTTAGAACTTGCACTCCCTAGCCGAGATAGCGAAGTCCTCAGCGCTGTGGCTGA-3'
Protein context (NP_001139.3, residues 2396-2416): ESKPQGVIRS[Pro2406Leu]QGLELALPSR

ClinVar aggregate classification (germline): Uncertain significance (1 of 4 stars; one submission).

Conditions:
Long QT syndrome (LQTS). Identifiers: MedGen C0023976, MeSH D008133, MONDO:0002442. Disease mechanism: loss of function. Inheritance: Various modes of inheritance.

Allele frequency attached by ClinVar (database versions not stated): gnomAD exomes below 0.00001.
gnomAD v4.1: 2 of 1,614,034 alleles (0.00012%); highest among the groups gnomAD compares: Non-Finnish European, 0.00017%; no homozygotes.

Submission:

Labcorp Genetics (formerly Invitae), Labcorp
Classification: Uncertain significance for Long QT syndrome. Last evaluated: 2022-10-17. Review status: criteria provided, single submitter. Criteria: Invitae Variant Classification Sherloc (09022015). Collection method: clinical testing. Allele origin: germline.
Comment: In summary, the available evidence is currently insufficient to determine the role of this variant in disease. Therefore, it has been classified as a Variant of Uncertain Significance. Advanced modeling of protein sequence and biophysical properties (such as structural, functional, and spatial information, amino acid conservation, physicochemical variation, residue mobility, and thermodynamic stability) performed at Invitae indicates that this missense variant is not expected to disrupt ANK2 protein function. This variant has not been reported in the literature in individuals affected with ANK2-related conditions. This variant is not present in population databases (gnomAD no frequency). This sequence change replaces proline, which is neutral and non-polar, with leucine, which is neutral and non-polar, at codon 2406 of the ANK2 protein (p.Pro2406Leu).